The following is an entry in ClinVar:

ClinVar aggregate classification (germline): Uncertain significance. Review status: criteria provided, multiple submitters, no conflicts (2 of 4 stars). 2 submissions from 2 submitters: Uncertain significance (2). Last evaluated 2026-01-20.

Conditions:
Inflammatory bowel disease 28. Also called: Inflammatory bowel disease 28, early onset, autosomal recessive. Identifiers: Orphanet 238569, MedGen C2751053, MONDO:0013153, OMIM 613148.

Allele frequency attached by ClinVar (database versions not stated): gnomAD 0.00002 and 0.00005; TOPMed 0.00002; gnomAD exomes 0.00008 and 0.00010; ExAC 0.00010; 1000 Genomes Project 30x 0.00031; 1000 Genomes Project 0.00040.

Submissions (2):

Labcorp Genetics (formerly Invitae), Labcorp
Classification: Uncertain significance for Inflammatory bowel disease 28. Last evaluated: 2026-01-20. Review status: criteria provided, single submitter. Criteria: Invitae Variant Classification Sherloc (09022015). Collection method: clinical testing. Allele origin: germline.
Comment: This sequence change replaces glycine, which is neutral and non-polar, with serine, which is neutral and polar, at codon 105 of the IL10RA protein (p.Gly105Ser). This variant is present in population databases (rs188378450, gnomAD 0.08%). This variant has not been reported in the literature in individuals affected with IL10RA-related conditions. ClinVar contains an entry for this variant (Variation ID: 879320). Invitae Evidence Modeling of protein sequence and biophysical properties (such as structural, functional, and spatial information, amino acid conservation, physicochemical variation, residue mobility, and thermodynamic stability) indicates that this missense variant is not expected to disrupt IL10RA protein function with a negative predictive value of 80%. In summary, the available evidence is currently insufficient to determine the role of this variant in disease. Therefore, it has been classified as a Variant of Uncertain Significance.

Illumina Laboratory Services, Illumina
Classification: Uncertain significance for Inflammatory bowel disease 28. Last evaluated: 2017-05-03. Review status: criteria provided, single submitter. Criteria: ICSL Variant Classification Criteria 13 December 2019. Collection method: clinical testing. Allele origin: germline.

NM_001558.4(IL10RA):c.313G>A (p.Gly105Ser)

Gene: IL10RA (interleukin 10 receptor subunit alpha; plus strand). Cytogenetic location: 11q23.3.
Variant type: single nucleotide variant.
Coding change: c.313G>A on transcript NM_001558.4 (MANE Select); coding-DNA position 313, G replaced by A.
Protein change: p.Gly105Ser; replaces glycine 105 with serine.
Molecular consequence: missense variant. On other transcripts: non-coding transcript variant (1).
Genome position (GRCh38, 1-based): chr11:117,989,566, G>A. VCF-style: chr11-117989566-G-A. GRCh37 (hg19) VCF-style: chr11-117860281-G-A.
Other names: short protein forms G105S.
Identifiers: ClinVar variation 879320 (VCV000879320.6), dbSNP rs188378450, ClinGen allele CA6298893.
Genomic context (GRCh38, chr11:117,989,566, plus strand): 5'-GCAGTGACCTTGGACCTGTACCACAGCAATGGCTACCGGGCCAGAGTGCGGGCTGTGGAC[G>A]GCAGCCGGCACTCCAACTGGACCGTCACCAACACCCGCTTCTCTGTGGATGAAGGTGCTT-3'
Protein context (NP_001549.2, residues 95-115): GYRARVRAVD[Gly105Ser]SRHSNWTVTN